The following is an entry in ClinVar:

NM_000303.3(PMM2):c.571T>C (p.Tyr191His)

Gene: PMM2 (phosphomannomutase 2; plus strand). Cytogenetic location: 16p13.2.
Variant type: single nucleotide variant.
Coding change: c.571T>C on transcript NM_000303.3 (MANE Select); coding-DNA position 571, T replaced by C.
Protein change: p.Tyr191His; replaces tyrosine 191 with histidine.
Molecular consequence: missense variant.
Genome position (GRCh38, 1-based): chr16:8,813,038, T>C. VCF-style: chr16-8813038-T-C. GRCh37 (hg19) VCF-style: chr16-8906895-T-C.
Other names: short protein forms Y191H.
Identifiers: ClinVar variation 1425271 (VCV001425271.3), dbSNP rs1267170921, ClinGen allele CA394697848.

ClinVar aggregate classification (germline): Uncertain significance (1 of 4 stars; one submission).

Conditions:
PMM2-congenital disorder of glycosylation. Also called: JAEKEN SYNDROME; CARBOHYDRATE-DEFICIENT GLYCOPROTEIN SYNDROME, TYPE Ia; CDG Ia; Congenital disorder of glycosylation, type Ia; PMM2-CDG; PHOSPHOMANNOMUTASE 2 DEFICIENCY. Identifiers: Orphanet 79318, MedGen C0349653, MONDO:0008907, OMIM 212065.

Allele frequency attached by ClinVar (database versions not stated): gnomAD exomes below 0.00001; TOPMed 0.00001.
gnomAD v4.1: 1 of 1,613,870 alleles (0.000062%); highest among the groups gnomAD compares: Non-Finnish European, 0.000085%; no homozygotes.

Submission:

Labcorp Genetics (formerly Invitae), Labcorp
Classification: Uncertain significance for PMM2-congenital disorder of glycosylation. Last evaluated: 2022-10-05. Review status: criteria provided, single submitter. Criteria: Invitae Variant Classification Sherloc (09022015). Collection method: clinical testing. Allele origin: germline.
Comment: This sequence change replaces tyrosine, which is neutral and polar, with histidine, which is basic and polar, at codon 191 of the PMM2 protein (p.Tyr191His). This variant is not present in population databases (gnomAD no frequency). This variant has not been reported in the literature in individuals affected with PMM2-related conditions. ClinVar contains an entry for this variant (Variation ID: 1425271). Advanced modeling of protein sequence and biophysical properties (such as structural, functional, and spatial information, amino acid conservation, physicochemical variation, residue mobility, and thermodynamic stability) performed at Invitae indicates that this missense variant is expected to disrupt PMM2 protein function. In summary, the available evidence is currently insufficient to determine the role of this variant in disease. Therefore, it has been classified as a Variant of Uncertain Significance.